The following is an entry in ClinVar:

NM_000179.3(MSH6):c.1048G>A (p.Ala350Thr)

Gene: MSH6 (mutS homolog 6; plus strand). Cytogenetic location: 2p16.3.
Variant type: single nucleotide variant.
Coding change: c.1048G>A on transcript NM_000179.3 (MANE Select); coding-DNA position 1048, G replaced by A.
Protein change: p.Ala350Thr; replaces alanine 350 with threonine.
Molecular consequence: missense variant.
Genome position (GRCh38, 1-based): chr2:47,799,031, G>A. VCF-style: chr2-47799031-G-A. GRCh37 (hg19) VCF-style: chr2-48026170-G-A.
Other names: c.658G>A, p.Ala220Thr (NM_001281492.2); c.142G>A, p.Ala48Thr (NM_001281493.2, NM_001281494.2, NM_001406811.1 and 6 more transcripts); c.1144G>A, p.Ala382Thr (NM_001406795.1, NM_001406802.1); c.1048G>A, p.Ala350Thr (NM_001406796.1, NM_001406798.1, NM_001406800.1 and 4 more transcripts); c.751G>A, p.Ala251Thr (NM_001406797.1, NM_001406801.1, NM_001406805.1 and 10 more transcripts); c.523G>A, p.Ala175Thr (NM_001406799.1, NM_001406806.1, NM_001406807.1); c.970G>A, p.Ala324Thr (NM_001406804.1); c.1054G>A, p.Ala352Thr (NM_001406813.1); and 1 more; short protein forms A324T, A382T, A350T, A352T, A175T, A294T, A48T, A220T.
Identifiers: ClinVar variation 1929998 (VCV001929998.9), dbSNP rs1425548621, ClinGen allele CA346741511.
Genomic context (GRCh38, chr2:47,799,031, plus strand): 5'-TCATCAGAAACCAAGAATACTTTGAGAGCTTTCTCTGCCCCTCAAAATTCTGAATCCCAA[G>A]CCCACGTTAGTGGAGGTGGTGATGACAGTAGTCGCCCTACTGTTTGGTATCATGAAACTT-3'
Protein context (NP_000170.1, residues 340-360): FSAPQNSESQ[Ala350Thr]HVSGGGDDSS

ClinVar aggregate classification (germline): Conflicting classifications of pathogenicity. Review status: criteria provided, conflicting classifications (1 of 4 stars). 4 submissions from 4 submitters: Uncertain significance (3); Likely benign (1). Last evaluated 2026-03-09.

Conditions:
Hereditary cancer-predisposing syndrome. Also called: Neoplastic Syndromes, Hereditary; Tumor predisposition; Hereditary neoplastic syndrome; Hereditary Cancer Syndrome. Identifiers: Orphanet 140162, MedGen C0027672, MeSH D009386, MONDO:0015356.
Hereditary nonpolyposis colorectal neoplasms. Identifiers: MedGen C0009405, MeSH D003123.

Submissions (4):

Dasa
Classification: Uncertain significance. Last evaluated: 2026-03-09. Review status: criteria provided, single submitter. Criteria: DASA Assertion Criteria. Collection method: clinical testing. Allele origin: germline.
Comment: NM_000179.3(MSH6):c.1048G>A (p.Ala350Thr) is a missense variant that results in the substitution of alanine with threonine. This variant is rare in population databases. Computational prediction algorithms are consistent with a benign effect. The currently available literature and clinical evidence are not sufficient to establish a definitive association between this variant and the reported condition. Therefore, this variant is classified as a variant of uncertain significance.

Ambry Genetics
Classification: Likely benign for Hereditary cancer-predisposing syndrome. Last evaluated: 2026-01-05. Review status: criteria provided, single submitter. Criteria: Ambry Variant Classification Scheme 2023. Collection method: clinical testing. Allele origin: germline.

Labcorp Genetics (formerly Invitae), Labcorp
Classification: Uncertain significance for Hereditary nonpolyposis colorectal neoplasms. Last evaluated: 2025-06-15. Review status: criteria provided, single submitter. Criteria: Invitae Variant Classification Sherloc (09022015). Collection method: clinical testing. Allele origin: germline.
Comment: This sequence change replaces alanine, which is neutral and non-polar, with threonine, which is neutral and polar, at codon 350 of the MSH6 protein (p.Ala350Thr). This variant is not present in population databases (gnomAD no frequency). This variant has not been reported in the literature in individuals affected with MSH6-related conditions. ClinVar contains an entry for this variant (Variation ID: 1929998). Invitae Evidence Modeling of protein sequence and biophysical properties (such as structural, functional, and spatial information, amino acid conservation, physicochemical variation, residue mobility, and thermodynamic stability) indicates that this missense variant is not expected to disrupt MSH6 protein function with a negative predictive value of 95%. In summary, the available evidence is currently insufficient to determine the role of this variant in disease. Therefore, it has been classified as a Variant of Uncertain Significance.

Mendelics
Classification: Uncertain significance for Hereditary nonpolyposis colorectal neoplasms. Last evaluated: 2024-03-27. Review status: criteria provided, single submitter. Criteria: ACMG Guidelines, 2015. Collection method: clinical testing. Allele origin: unknown.